The following is an entry in ClinVar:

ClinVar aggregate classification (germline): Benign. Review status: criteria provided, multiple submitters, no conflicts (2 of 4 stars). 9 submissions from 9 submitters: Benign (7). 2 of the submissions do not count toward it. Last evaluated 2024-11-28.

Conditions:
Hecht syndrome (DA7). Also called: Dutch-Kentucky syndrome; MOUTH, INABILITY TO OPEN COMPLETELY, AND SHORT FINGER-FLEXOR TENDONS. Identifiers: Orphanet 3377, MedGen C0265226, MONDO:0008016, OMIM 158300. Disease mechanism: gain of function.

Allele frequency attached by ClinVar (database versions not stated): TOPMed 0.85405; ESP Exome Variant Server 0.85668; 1000 Genomes Project 30x 0.85853; 1000 Genomes Project 0.86242; gnomAD 0.86257 and 0.86861; ExAC 0.92240; gnomAD exomes 0.92872 and 0.93563.

Submissions (9):

Blueprint Genetics
Classification: Benign. Last evaluated: 2024-11-28. Review status: criteria provided, single submitter. Criteria: ACMG Guidelines, 2015. Collection method: clinical testing. Allele origin: germline.

Genome-Nilou Lab
Classification: Benign for Hecht syndrome. Last evaluated: 2021-09-05. Review status: criteria provided, single submitter. Criteria: ACMG Guidelines, 2015. Collection method: clinical testing. Allele origin: germline. Affected: no.

GeneDx
Classification: Benign. Last evaluated: 2018-11-12. Review status: criteria provided, single submitter. Criteria: GeneDx Variant Classification Process June 2021. Collection method: clinical testing. Allele origin: germline. Affected: yes.

Illumina Laboratory Services, Illumina
Classification: Benign for Hecht syndrome. Last evaluated: 2018-01-13. Review status: criteria provided, single submitter. Criteria: ICSL Variant Classification Criteria 13 December 2019. Collection method: clinical testing. Allele origin: germline.
Comment: This variant was observed in the ICSL laboratory as part of a predisposition screen in an ostensibly healthy population. It had not been previously curated by ICSL or reported in the Human Gene Mutation Database (HGMD: prior to June 1st, 2018), and was therefore a candidate for classification through an automated scoring system. Utilizing variant allele frequency, disease prevalence and penetrance estimates, and inheritance mode, an automated score was calculated to assess if this variant is too frequent to cause the disease. Based on the score and internal cut-off values, a variant classified as benign is not then subjected to further curation. The score for this variant resulted in a classification of benign for this disease.

Genetic Services Laboratory, University of Chicago
Classification: Benign for AllHighlyPenetrant. Last evaluated: 2013-08-15. Review status: criteria provided, single submitter. Criteria: ACMG Guidelines, 2007. Collection method: clinical testing. Allele origin: germline. Inheritance: Autosomal dominant inheritance.

Breakthrough Genomics
Classification: Benign. Review status: criteria provided, single submitter. Criteria: ACMG Guidelines, 2015. Collection method: not provided. Allele origin: germline. Inheritance: Autosomal dominant inheritance. Affected: yes.

PreventionGenetics, part of Exact Sciences
Classification: Benign. Review status: criteria provided, single submitter. Criteria: ACMG Guidelines, 2015. Collection method: clinical testing. Allele origin: germline.

Clinical Genetics, Academic Medical Center
Classification: Benign. Review status: no assertion criteria provided. Collection method: clinical testing. Allele origin: germline. Affected: yes. Study: VKGL Data-share Consensus. Not counted in ClinVar's aggregate classification.

Diagnostic Laboratory, Department of Genetics, University Medical Center Groningen
Classification: Benign. Review status: no assertion criteria provided. Collection method: clinical testing. Allele origin: germline. Affected: yes. Study: VKGL Data-share Consensus. Not counted in ClinVar's aggregate classification.

NM_002472.3(MYH8):c.714T>C (p.Thr238=)

Genes: MYH8 (myosin heavy chain 8; minus strand), MYHAS (myosin heavy chain gene cluster antisense RNA; plus strand). Cytogenetic location: 17p13.1.
Variant type: single nucleotide variant.
Coding change: c.714T>C on transcript NM_002472.3 (MANE Select); coding-DNA position 714, T replaced by C.
Protein change: p.Thr238=; no amino-acid change (threonine 238 retained).
Molecular consequence: synonymous variant.
Genome position (GRCh38, 1-based): chr17:10,415,319, A>G on the plus strand (T>C on the coding strand, the complement: MYH8 is on the minus strand). VCF-style: chr17-10415319-A-G. GRCh37 (hg19) VCF-style: chr17-10318636-A-G.
Identifiers: ClinVar variation 129680 (VCV000129680.17), dbSNP rs8068729, ClinGen allele CA153834.